The following is an entry in ClinVar:

ClinVar aggregate classification (germline): Uncertain significance (1 of 4 stars; one submission).

Conditions:
Neutropenia, severe congenital, 1, autosomal dominant. Identifiers: MedGen C1859966, MONDO:0042490, OMIM 202700.
Cyclical neutropenia. Also called: Cyclic hematopoiesis; Cyclic Neutropenia. Identifiers: Orphanet 2686, MedGen C0221023, MONDO:0008090, OMIM 162800, HP:0040289. Disease mechanism: loss of function.

Submission:

Labcorp Genetics (formerly Invitae), Labcorp
Classification: Uncertain significance for Neutropenia, severe congenital, 1, autosomal dominant; Cyclical neutropenia. Last evaluated: 2023-12-02. Review status: criteria provided, single submitter. Criteria: Invitae Variant Classification Sherloc (09022015). Collection method: clinical testing. Allele origin: germline.
Comment: This sequence change replaces serine, which is neutral and polar, with cysteine, which is neutral and slightly polar, at codon 249 of the ELANE protein (p.Ser249Cys). This variant is not present in population databases (gnomAD no frequency). This variant has not been reported in the literature in individuals affected with ELANE-related conditions. Advanced modeling of protein sequence and biophysical properties (such as structural, functional, and spatial information, amino acid conservation, physicochemical variation, residue mobility, and thermodynamic stability) has been performed at Invitae for this missense variant, however the output from this modeling did not meet the statistical confidence thresholds required to predict the impact of this variant on ELANE protein function. In summary, the available evidence is currently insufficient to determine the role of this variant in disease. Therefore, it has been classified as a Variant of Uncertain Significance.

NM_001972.4(ELANE):c.746C>G (p.Ser249Cys)

Gene: ELANE (elastase, neutrophil expressed; plus strand). Cytogenetic location: 19p13.3.
Variant type: single nucleotide variant.
Coding change: c.746C>G on transcript NM_001972.4 (MANE Select); coding-DNA position 746, C replaced by G.
Protein change: p.Ser249Cys; replaces serine 249 with cysteine.
Molecular consequence: missense variant.
Genome position (GRCh38, 1-based): chr19:856,106, C>G. VCF-style: chr19-856106-C-G. GRCh37 (hg19) VCF-style: chr19-856106-C-G.
Other names: short protein forms S249C.
Identifiers: ClinVar variation 2946866 (VCV002946866.3), dbSNP rs201224216, ClinGen allele CA402919381.